The following is an entry in ClinVar:

ClinVar aggregate classification (germline): Uncertain significance (1 of 4 stars; one submission).

Conditions:
Hereditary cancer-predisposing syndrome. Also called: Neoplastic Syndromes, Hereditary; Tumor predisposition; Hereditary Cancer Syndrome; Hereditary neoplastic syndrome. Identifiers: Orphanet 140162, MedGen C0027672, MeSH D009386, MONDO:0015356.

Submission:

Ambry Genetics
Classification: Uncertain significance for Hereditary cancer-predisposing syndrome. Last evaluated: 2021-08-24. Review status: criteria provided, single submitter. Criteria: Ambry Variant Classification Scheme 2023. Collection method: clinical testing. Allele origin: germline.
Comment: The p.T1133A variant (also known as c.3397A>G), located in coding exon 19 of the BRIP1 gene, results from an A to G substitution at nucleotide position 3397. The threonine at codon 1133 is replaced by alanine, an amino acid with similar properties. This amino acid position is conserved. In addition, this alteration is predicted to be tolerated by in silico analysis. Since supporting evidence is limited at this time, the clinical significance of this alteration remains unclear.

NM_032043.3(BRIP1):c.3397A>G (p.Thr1133Ala)

Gene: BRIP1 (BRCA1 interacting DNA helicase 1; minus strand). Cytogenetic location: 17q23.2.
Variant type: single nucleotide variant.
Coding change: c.3397A>G on transcript NM_032043.3 (MANE Select); coding-DNA position 3397, A replaced by G.
Protein change: p.Thr1133Ala; replaces threonine 1133 with alanine.
Molecular consequence: missense variant.
Genome position (GRCh38, 1-based): chr17:61,683,649, T>C on the plus strand (A>G on the coding strand, the complement: BRIP1 is on the minus strand). VCF-style: chr17-61683649-T-C. GRCh37 (hg19) VCF-style: chr17-59761010-T-C.
Other names: short protein forms T1133A.
Identifiers: ClinVar variation 1730950 (VCV001730950.2), dbSNP rs2544556566, ClinGen allele CA400478816.